The following is an entry in ClinVar:

NM_000368.5(TSC1):c.2022del (p.Asp675fs)

Gene: TSC1 (TSC complex subunit 1; minus strand). Cytogenetic location: 9q34.13.
Variant type: Deletion.
Coding change: c.2022del on transcript NM_000368.5 (MANE Select); coding-DNA position 2022, one base deleted (C; older notation c.2022delC).
Protein change: p.Asp675fs; shifts the reading frame from aspartic acid 675.
Molecular consequence: frameshift variant.
Genome position (GRCh38, 1-based): chr9:132,904,430, G deleted on the plus strand (C on the coding strand, the reverse complement: TSC1 is on the minus strand). VCF-style (leftmost placement, unchanged base first): chr9-132904429-CG-C. GRCh37 (hg19) VCF-style: chr9-135779816-CG-C.
Other names: c.2019del, p.Asp674fs (NM_001162426.2); c.1869del, p.Asp624fs (NM_001162427.2); c.1659del, p.Asp554fs (NM_001362177.2); c.2022delC (NM_000368.4); short protein forms D554fs, D674fs, D624fs, D675fs.
Identifiers: ClinVar variation 48872 (VCV000048872.6), dbSNP rs118203619, ClinGen allele CA005783.

ClinVar aggregate classification (germline): Pathogenic. Review status: criteria provided, multiple submitters, no conflicts (2 of 4 stars). 3 submissions from 3 submitters: Pathogenic (2). 1 of the submissions does not count toward it. Last evaluated 2025-10-15.

Conditions:
Tuberous sclerosis syndrome (TSC). Also called: Tuberous Sclerosis Complex; Tuberous sclerosis. Identifiers: Orphanet 805, MedGen C0041341, MONDO:0001734.
Tuberous sclerosis 1 (TSC1). Identifiers: Orphanet 805, MedGen C1854465, MONDO:0008612, OMIM 191100.

Submissions (3):

Cambridge Genomics Laboratory, East Genomic Laboratory Hub, NHS Genomic Medicine Service
Classification: Pathogenic for Tuberous sclerosis. Last evaluated: 2025-10-15. Review status: criteria provided, single submitter. Criteria: ACGS Best Practice Guidelines for Variant Classification in Rare Disease 2020. Collection method: clinical testing. Allele origin: germline. Affected: yes.
Comment: PVS1,PM2

Labcorp Genetics (formerly Invitae), Labcorp
Classification: Pathogenic for Tuberous sclerosis 1. Last evaluated: 2024-12-22. Review status: criteria provided, single submitter. Criteria: Invitae Variant Classification Sherloc (09022015). Collection method: clinical testing. Allele origin: germline.
Comment: This sequence change creates a premature translational stop signal (p.Asp675Thrfs*49) in the TSC1 gene. It is expected to result in an absent or disrupted protein product. Loss-of-function variants in TSC1 are known to be pathogenic (PMID: 10227394, 17304050). This variant is not present in population databases (gnomAD no frequency). This premature translational stop signal has been observed in individual(s) with tuberous sclerosis complex (PMID: 10533067). This variant is also known as 2243delC V674fs→723X. ClinVar contains an entry for this variant (Variation ID: 48872). For these reasons, this variant has been classified as Pathogenic.

Tuberous sclerosis database (TSC1)
No classification provided. Condition: TSC. Review status: no classification provided. Criteria: Tuberous Sclerosis Database Assertion Criteria 2015. Collection method: curation. Allele origin: germline. Affected: yes. Not counted in ClinVar's aggregate classification.

Literature cited by the submitters: PubMed 10227394 (cited by Labcorp Genetics (formerly Invitae), Labcorp); PubMed 17304050 (cited by Labcorp Genetics (formerly Invitae), Labcorp); PubMed 10533067 (cited by Labcorp Genetics (formerly Invitae), Labcorp).